The following is an entry in ClinVar:

NM_005859.5(PURA):c.-7_6dup (p.Asp3fs)

Gene: PURA (purine rich element binding protein A; plus strand). Cytogenetic location: 5q31.3.
Variant type: Duplication.
Coding change: c.-7_6dup on transcript NM_005859.5 (MANE Select); 7 bases upstream of the start codon through coding-DNA position 6, 13 bases duplicated (CAGCATCATGGCG).
Protein change: p.Asp3fs; shifts the reading frame from aspartic acid 3.
Molecular consequence: frameshift variant, initiator codon variant.
Genome position (GRCh38, 1-based): chr5:140,114,175-140,114,187, CAGCATCATGGCG duplicated; duplicating any 13 consecutive bases within chr5:140,114,172-140,114,187 gives the same sequence; the c. name uses the placement nearest the transcript's 3' end. VCF-style (leftmost placement, unchanged base first): chr5-140114171-A-AGCGCAGCATCATG. GRCh37 (hg19) VCF-style: chr5-139493756-A-AGCGCAGCATCATG.
Other names: short protein forms D3fs.
Identifiers: ClinVar variation 3778542 (VCV003778542.7).

ClinVar aggregate classification (germline): Uncertain significance (1 of 4 stars; one submission).

Submission:

CeGaT Center for Human Genetics Tuebingen
Classification: Uncertain significance. Last evaluated: 2025-03-01. Review status: criteria provided, single submitter. Criteria: CeGaT Center For Human Genetics Tuebingen Variant Classification Criteria Version 2. Collection method: clinical testing. Allele origin: germline. Affected: yes. Observed: 1 variant allele.
Comment: PURA: PM2